The following is an entry in ClinVar:

ClinVar aggregate classification (germline): Uncertain significance (1 of 4 stars; one submission).

Submission:

Labcorp Genetics (formerly Invitae), Labcorp
Classification: Uncertain significance. Last evaluated: 2025-10-21. Review status: criteria provided, single submitter. Criteria: Invitae Variant Classification Sherloc (09022015). Collection method: clinical testing. Allele origin: germline.
Comment: This sequence change replaces serine, which is neutral and polar, with phenylalanine, which is neutral and non-polar, at codon 212 of the IRF2BP2 protein (p.Ser212Phe). This variant is not present in population databases (gnomAD no frequency). This variant has not been reported in the literature in individuals affected with IRF2BP2-related conditions. ClinVar contains an entry for this variant (Variation ID: 3624807). An algorithm developed to predict the effect of missense changes on protein structure and function (PolyPhen-2) suggests that this variant is likely to be tolerated. In summary, the available evidence is currently insufficient to determine the role of this variant in disease. Therefore, it has been classified as a Variant of Uncertain Significance.

NM_182972.3(IRF2BP2):c.635C>T (p.Ser212Phe)

Genes: IRF2BP2 (interferon regulatory factor 2 binding protein 2; minus strand), LOC129932811 (ATAC-STARR-seq lymphoblastoid silent region 1976; plus strand). Cytogenetic location: 1q42.3.
Variant type: single nucleotide variant.
Coding change: c.635C>T on transcript NM_182972.3 (MANE Select); coding-DNA position 635, C replaced by T.
Protein change: p.Ser212Phe; replaces serine 212 with phenylalanine.
Molecular consequence: missense variant.
Genome position (GRCh38, 1-based): chr1:234,608,860, G>A on the plus strand (C>T on the coding strand, the complement: IRF2BP2 is on the minus strand). VCF-style: chr1-234608860-G-A. GRCh37 (hg19) VCF-style: chr1-234744606-G-A.
Other names: c.635C>T, p.Ser212Phe (NM_001077397.1); short protein forms S212F.
Identifiers: ClinVar variation 3624807 (VCV003624807.2).
Genomic context (GRCh38, chr1:234,608,860, plus strand): 5'-AGATCGGTGGGCTGCGCGGAGCCCAGGCTGGCGGCCGCGGTTCCGGACACCGCGGCTAAG[G>A]AGGCGGCAGCGCGGCCGCCGAGGCCGAGCGCGGTGGGCAGCGGCGTGGCCGAGCCGTTCA-3'
Protein context (NP_892017.2, residues 202-222): ALGLGGRAAA[Ser212Phe]LAAVSGTAAA